The following is an entry in ClinVar:

ClinVar aggregate classification (germline): Uncertain significance. Review status: criteria provided, multiple submitters, no conflicts (2 of 4 stars). 2 submissions from 2 submitters: Uncertain significance (2). Last evaluated 2025-12-16.

Conditions:
Hereditary nonpolyposis colorectal neoplasms. Identifiers: MedGen C0009405, MeSH D003123.
Hereditary cancer-predisposing syndrome. Also called: Neoplastic Syndromes, Hereditary; Tumor predisposition; Hereditary Cancer Syndrome; Hereditary neoplastic syndrome. Identifiers: Orphanet 140162, MedGen C0027672, MeSH D009386, MONDO:0015356.

Submissions (2):

Labcorp Genetics (formerly Invitae), Labcorp
Classification: Uncertain significance for Hereditary nonpolyposis colorectal neoplasms. Last evaluated: 2025-12-16. Review status: criteria provided, single submitter. Criteria: Invitae Variant Classification Sherloc (09022015). Collection method: clinical testing. Allele origin: germline.
Comment: This sequence change replaces aspartic acid, which is acidic and polar, with histidine, which is basic and polar, at codon 943 of the MSH6 protein (p.Asp943His). This variant is not present in population databases (gnomAD no frequency). This variant has not been reported in the literature in individuals affected with MSH6-related conditions. ClinVar contains an entry for this variant (Variation ID: 919698). Invitae Evidence Modeling of protein sequence and biophysical properties (such as structural, functional, and spatial information, amino acid conservation, physicochemical variation, residue mobility, and thermodynamic stability) indicates that this missense variant is not expected to disrupt MSH6 protein function with a negative predictive value of 95%. In summary, the available evidence is currently insufficient to determine the role of this variant in disease. Therefore, it has been classified as a Variant of Uncertain Significance.

Color Diagnostics, LLC DBA Color Health
Classification: Uncertain significance for Hereditary cancer-predisposing syndrome. Last evaluated: 2021-03-09. Review status: criteria provided, single submitter. Criteria: ACMG Guidelines, 2015. Collection method: clinical testing. Allele origin: germline.
Comment: This missense variant replaces aspartic acid with histidine at codon 943 of the MSH6 protein. Computational prediction suggests that this variant may have deleterious impact on protein structure and function (internally defined REVEL score threshold >= 0.7, PMID: 27666373). To our knowledge, functional studies have not been reported for this variant. This variant has not been reported in individuals affected with hereditary cancer in the literature. This variant has not been identified in the general population by the Genome Aggregation Database (gnomAD). The available evidence is insufficient to determine the role of this variant in disease conclusively. Therefore, this variant is classified as a Variant of Uncertain Significance.

NM_000179.3(MSH6):c.2827G>C (p.Asp943His)

Gene: MSH6 (mutS homolog 6; plus strand). Cytogenetic location: 2p16.3.
Variant type: single nucleotide variant.
Coding change: c.2827G>C on transcript NM_000179.3 (MANE Select); coding-DNA position 2827, G replaced by C.
Protein change: p.Asp943His; replaces aspartic acid 943 with histidine.
Molecular consequence: missense variant.
Genome position (GRCh38, 1-based): chr2:47,800,810, G>C. VCF-style: chr2-47800810-G-C. GRCh37 (hg19) VCF-style: chr2-48027949-G-C.
Other names: c.2437G>C, p.Asp813His (NM_001281492.2); c.1921G>C, p.Asp641His (NM_001281493.2, NM_001281494.2); short protein forms D641H, D813H, D943H.
Identifiers: ClinVar variation 919698 (VCV000919698.9), dbSNP rs143520357, ClinGen allele CA346755696.